The following is an entry in ClinVar:

NM_000077.5(CDKN2A):c.284T>G (p.Val95Gly)

Gene: CDKN2A (cyclin dependent kinase inhibitor 2A; minus strand). Cytogenetic location: 9p21.3.
Variant type: single nucleotide variant.
Coding change: c.284T>G on transcript NM_000077.5; coding-DNA position 284, T replaced by G.
Protein change: p.Val95Gly; replaces valine 95 with glycine.
Molecular consequence: missense variant (on NM_000077.6). On other transcripts: synonymous variant (1), 3 prime UTR variant (1).
Genome position (GRCh38, 1-based): chr9:21,971,075, A>C on the plus strand (T>G on the coding strand, the complement: CDKN2A is on the minus strand). VCF-style: chr9-21971075-A-C. GRCh37 (hg19) VCF-style: chr9-21971074-A-C.
Other names: c.284T>G, p.Val95Gly (NM_000077.6, NM_001195132.2); c.131T>G, p.Val44Gly (NM_001363763.2); c.327T>G, p.Gly109= (NM_058195.4); c.*207T>G (NM_058197.5); short protein forms V44G, V95G.
Identifiers: ClinVar variation 2001636 (VCV002001636.5), dbSNP rs2489275190, ClinGen allele CA373086145.
Genomic context (GRCh38, chr9:21,971,075, plus strand): 5'-ACGGGCAGACGGCCCCAGGCATCGCGCACGTCCAGCCGCGCCCCGGCCCGGTGCAGCACC[A>C]CCAGCGTGTCCAGGAAGCCCTCCCGGGCAGCGTCGTGCACGGGTCGGGTGAGAGTGGCGG-3'
Protein context (NP_000068.1, residues 85-105): AAREGFLDTL[Val95Gly]VLHRAGARLD

ClinVar aggregate classification (germline): Uncertain significance. Review status: criteria provided, multiple submitters, no conflicts (2 of 4 stars). 2 submissions from 2 submitters: Uncertain significance (2). Last evaluated 2024-11-20.

Conditions:
Hereditary cancer-predisposing syndrome. Also called: Neoplastic Syndromes, Hereditary; Tumor predisposition; Hereditary Cancer Syndrome; Hereditary neoplastic syndrome. Identifiers: Orphanet 140162, MedGen C0027672, MeSH D009386, MONDO:0015356.
Familial melanoma. Also called: Hereditary melanoma; Hereditary cutaneous melanoma. Identifiers: Orphanet 618, MedGen C1512419, MONDO:0018961.

Submissions (2):

Ambry Genetics
Classification: Uncertain significance for Hereditary cancer-predisposing syndrome. Last evaluated: 2024-11-20. Review status: criteria provided, single submitter. Criteria: Ambry Variant Classification Scheme 2023. Collection method: clinical testing. Allele origin: germline.
Comment: The p.V95G variant (also known as c.284T>G), located in coding exon 2 of the CDKN2A gene, results from a T to G substitution at nucleotide position 284. The valine at codon 95 is replaced by glycine, an amino acid with dissimilar properties. Of note, this alteration is also known as c.327T>G (p.G109G) in the p14(ARF) isoform. This amino acid position is not well conserved in available vertebrate species. In addition, the in silico prediction for this alteration is inconclusive. Based on the available evidence, the clinical significance of this variant remains unclear.

Labcorp Genetics (formerly Invitae), Labcorp
Classification: Uncertain significance for Familial melanoma. Last evaluated: 2022-08-09. Review status: criteria provided, single submitter. Criteria: Invitae Variant Classification Sherloc (09022015). Collection method: clinical testing. Allele origin: germline.
Comment: In summary, the available evidence is currently insufficient to determine the role of this variant in disease. Therefore, it has been classified as a Variant of Uncertain Significance. Algorithms developed to predict the effect of missense changes on protein structure and function are either unavailable or do not agree on the potential impact of this missense change (SIFT: "Deleterious"; PolyPhen-2: "Benign"; Align-GVGD: "Class C0"). This variant has not been reported in the literature in individuals affected with CDKN2A (p16INK4a)-related conditions. This variant is not present in population databases (gnomAD no frequency). This sequence change replaces valine, which is neutral and non-polar, with glycine, which is neutral and non-polar, at codon 95 of the CDKN2A (p16INK4a) protein (p.Val95Gly).